The following is an entry in ClinVar:

ClinVar aggregate classification (germline): Conflicting classifications of pathogenicity. Review status: criteria provided, conflicting classifications (1 of 4 stars). 7 submissions from 6 submitters: Likely pathogenic (5); Uncertain significance (1). 1 of the submissions does not count toward it. Last evaluated 2026-01-24.

Conditions:
Primary hyperoxaluria type 3. Also called: PH III. Identifiers: Orphanet 416, Orphanet 93600, MedGen C3150878, MONDO:0013327, OMIM 613616. Disease mechanism: loss of function.
Glycogen storage disease due to muscle and heart glycogen synthase deficiency. Also called: GSD 0b; MUSCLE GLYCOGEN SYNTHASE DEFICIENCY. Identifiers: Orphanet 137625, MedGen C1969054, MONDO:0012693, OMIM 611556.

Allele frequency attached by ClinVar (database versions not stated): ExAC 0.00004; TOPMed 0.00004; gnomAD 0.00005.
gnomAD v4.1: 36 of 1,613,918 alleles (0.0022%); highest among the groups gnomAD compares: Middle Eastern, 0.016%; no homozygotes.

Submissions (7):

Labcorp Genetics (formerly Invitae), Labcorp
Classification: Likely pathogenic. Last evaluated: 2026-01-24. Review status: criteria provided, single submitter. Criteria: Invitae Variant Classification Sherloc (09022015). Collection method: clinical testing. Allele origin: germline.
Comment: This sequence change replaces arginine, which is basic and polar, with cysteine, which is neutral and slightly polar, at codon 318 of the HOGA1 protein (p.Arg318Cys). This variant is present in population databases (rs776161817, gnomAD 0.01%). This missense change has been observed in individual(s) with primary hyperoxaluria type 3 (PMID: 37306718). ClinVar contains an entry for this variant (Variation ID: 2432523). Invitae Evidence Modeling of protein sequence and biophysical properties (such as structural, functional, and spatial information, amino acid conservation, physicochemical variation, residue mobility, and thermodynamic stability) indicates that this missense variant is expected to disrupt HOGA1 protein function with a positive predictive value of 95%. In summary, the currently available evidence indicates that the variant is pathogenic, but additional data are needed to prove that conclusively. Therefore, this variant has been classified as Likely Pathogenic.

First Genomix Gene Laboratory, Genetic Diagnostics Department
Classification: Likely pathogenic for Glycogen storage disease due to muscle and heart glycogen synthase deficiency. Last evaluated: 2025-09-23. Review status: criteria provided, single submitter. Criteria: ACMG Guidelines, 2015. Collection method: clinical testing. Allele origin: germline. Inheritance: Autosomal recessive inheritance. Affected: no. Observed: 1 variant allele.

First Genomix Gene Laboratory, Genetic Diagnostics Department
Classification: Likely pathogenic for Primary hyperoxaluria type 3. Last evaluated: 2025-08-04. Review status: criteria provided, single submitter. Criteria: ACMG Guidelines, 2015. Collection method: clinical testing. Allele origin: germline. Inheritance: Autosomal recessive inheritance. Affected: no. Observed: 1 variant allele.

CeGaT Center for Human Genetics Tuebingen
Classification: Likely pathogenic. Last evaluated: 2024-12-01. Review status: criteria provided, single submitter. Criteria: CeGaT Center For Human Genetics Tuebingen Variant Classification Criteria Version 2. Collection method: clinical testing. Allele origin: germline. Affected: yes. Observed: 1 variant allele.
Comment: HOGA1: PM2, PM3, PM5, PP3

MVZ Medizinische Genetik Mainz
Classification: Likely pathogenic for Primary hyperoxaluria type 3. Last evaluated: 2024-05-16. Review status: criteria provided, single submitter. Criteria: UK Practice Guidelines For Variant Classification V4 01 2020. Collection method: clinical testing. Allele origin: germline. Inheritance: Autosomal recessive inheritance. Affected: yes. Observed: 1 variant allele.
Comment: ACMG Criteria: PP3_MOD,PM2_SUP,PM3_SUP,PM5_SUP,PP4

Revvity Omics, Revvity
Classification: Uncertain significance. Last evaluated: 2022-11-01. Review status: criteria provided, single submitter. Criteria: ACMG Guidelines, 2015. Collection method: clinical testing. Allele origin: germline.

Chinese Inherited Urolithiasis Consortium, The Affiliated Yantai Yuhuangding Hospital of Qingdao University
Classification: Likely pathogenic for Primary hyperoxaluria type 3. Last evaluated: 2024-08-26. Review status: no assertion criteria provided. Collection method: clinical testing. Allele origin: maternal. Affected: yes. Observed: 1 variant allele. Not counted in ClinVar's aggregate classification.

Literature cited by the submitters: PubMed 37306718 (cited by Labcorp Genetics (formerly Invitae), Labcorp).

NM_138413.4(HOGA1):c.952C>T (p.Arg318Cys)

Gene: HOGA1 (4-hydroxy-2-oxoglutarate aldolase 1; plus strand). Cytogenetic location: 10q24.2.
Variant type: single nucleotide variant.
Coding change: c.952C>T on transcript NM_138413.4 (MANE Select); coding-DNA position 952, C replaced by T.
Protein change: p.Arg318Cys; replaces arginine 318 with cysteine.
Molecular consequence: missense variant.
Genome position (GRCh38, 1-based): chr10:97,611,627, C>T. VCF-style: chr10-97611627-C-T. GRCh37 (hg19) VCF-style: chr10-99371384-C-T.
Other names: c.463C>T, p.Arg155Cys (NM_001134670.2); short protein forms R155C, R318C.
Identifiers: ClinVar variation 2432523 (VCV002432523.21), dbSNP rs776161817, ClinGen allele CA5634323.
Genomic context (GRCh38, chr10:97,611,627, plus strand): 5'-TATGGAGGCCCCTGCCGCGCCCCCTTGCAGGAGCTGAGCCCCGCTGAGGAGGAGGCACTG[C>T]GCATGGATTTCACCAGCAACGGCTGGCTCTGAGGGCAGGCAGGGTCCATGGCTGGCCTGA-3'
Protein context (NP_612422.2, residues 308-327): ELSPAEEEAL[Arg318Cys]MDFTSNGWL